The following is an entry in ClinVar:

NM_005026.5(PIK3CD):c.1470+15C>T

Gene: PIK3CD (phosphatidylinositol-4,5-bisphosphate 3-kinase catalytic subunit delta; plus strand). Cytogenetic location: 1p36.22.
Variant type: single nucleotide variant.
Coding change: c.1470+15C>T on transcript NM_005026.5 (MANE Select); 15 bases into the intron after coding-DNA position 1470, C replaced by T.
Molecular consequence: intron variant.
Genome position (GRCh38, 1-based): chr1:9,720,257, C>T. VCF-style: chr1-9720257-C-T. GRCh37 (hg19) VCF-style: chr1-9780315-C-T.
Other names: c.1470+15C>T (NM_001350234.2); c.1383+15C>T (NM_001350235.1).
Identifiers: ClinVar variation 1573734 (VCV001573734.10), dbSNP rs375880685, ClinGen allele CA577203.

ClinVar aggregate classification (germline): Likely benign. Review status: reviewed by expert panel (3 of 4 stars). 3 submissions from 3 submitters: Likely benign (1). 2 of the submissions do not count toward it. Last evaluated 2025-12-19.

Conditions:
Immunodeficiency 14 (IMD14A). Also called: ACTIVATED PI3K-DELTA SYNDROME 1; Activated PI3K Delta Syndrome Type 1 (APDS1); p110-DELTA-ACTIVATING MUTATION CAUSING SENESCENT T CELLS, LYMPHADENOPATHY, AND IMMUNODEFICIENCY; IMMUNODEFICIENCY 14A WITH LYMPHOPROLIFERATION, AUTOSOMAL DOMINANT. Identifiers: Orphanet 397596, Orphanet 693661, MedGen C5907821, MONDO:0014222, OMIM 615513.

Allele frequency attached by ClinVar (database versions not stated): 1000 Genomes Project 0.00020; 1000 Genomes Project 30x 0.00031; ExAC 0.00044; gnomAD exomes 0.00044; gnomAD 0.00003 and 0.00014.
gnomAD v4.1: 351 of 1,598,736 alleles (0.022%); highest among the groups gnomAD compares: South Asian, 0.34%; 2 homozygotes.

Submissions (3):

ClinGen Primary Immune Regulatory Disorders Variant Curation Expert Panel, ClinGen
Classification: Likely benign for Immunodeficiency 14. Last evaluated: 2025-12-19. Review status: reviewed by expert panel. Criteria: ClinGen AbDef ACMG Specifications PIK3CD V1.0.0. Collection method: curation. Allele origin: germline. Inheritance: Autosomal dominant inheritance.
Comment: NM_005026.5(PIK3CD):c.1470+15C>T is a non-coding variant located in intron 11 that does not have a predicted impact at splicing sites (BP7). The computational predictor SpliceAI predicts a delta score of 0.00 for all splicing events, which is below the ClinGen Antibody Deficiencies VCEP threshold of <0.1 (BP4).This variant is present in gnomAD v.4.1.0 at a GrpMax allele frequency of 0.003052, with 304 alleles / 90,404 total alleles in the South Asian population, which is higher than the ClinGen Antibody Deficiencies VCEP BS1 threshold of 0.000316 (BS1). In summary, this variant meets the criteria to be classified as likely benign for autosomal dominant immunodeficiency 14 based on the ACMG/AMP criteria applied, as specified by the ClinGen Antibody Deficiencies VCEP: BS1, BP4, and BP7. (VCEP specifications version 1.0.0).

Labcorp Genetics (formerly Invitae), Labcorp
Classification: Benign for Activated PI3K-delta syndrome. Last evaluated: 2025-11-06. Review status: criteria provided, single submitter. Criteria: Invitae Variant Classification Sherloc (09022015). Collection method: clinical testing. Allele origin: germline. Not counted in ClinVar's aggregate classification.

Genetics and Molecular Pathology, SA Pathology
Classification: Uncertain significance for Immunodeficiency 14. Last evaluated: 2020-06-11. Review status: criteria provided, single submitter. Criteria: ACMG Guidelines, 2015. Collection method: clinical testing. Allele origin: germline. Inheritance: Autosomal dominant inheritance. Affected: yes. Not counted in ClinVar's aggregate classification.
Comment: BP4